The following is an entry in ClinVar:

NM_001267550.2(TTN):c.71525C>G (p.Ser23842Ter)

Genes: TTN-AS1 (TTN antisense RNA 1; plus strand), TTN (titin; minus strand). Cytogenetic location: 2q31.2.
Variant type: single nucleotide variant.
Coding change: c.71525C>G on transcript NM_001267550.2 (MANE Select); coding-DNA position 71525, C replaced by G.
Protein change: p.Ser23842Ter; replaces serine 23842 with a stop codon.
Molecular consequence: nonsense.
Genome position (GRCh38, 1-based): chr2:178,574,607, G>C on the plus strand (C>G on the coding strand, the complement: TTN is on the minus strand). VCF-style: chr2-178574607-G-C. GRCh37 (hg19) VCF-style: chr2-179439334-G-C.
Other names: c.66602C>G, p.Ser22201Ter (NM_001256850.1); c.44330C>G, p.Ser14777Ter (NM_003319.4); c.63821C>G, p.Ser21274Ter (NM_133378.4); c.44705C>G, p.Ser14902Ter (NM_133432.3); c.44906C>G, p.Ser14969Ter (NM_133437.4); short protein forms S21274*, S14777*, S14902*, S22201*, S14969*, S23842*.
Identifiers: ClinVar variation 2953079 (VCV002953079.3), dbSNP rs2468637677, ClinGen allele CA349653008.

ClinVar aggregate classification (germline): Likely pathogenic (1 of 4 stars; one submission).

Conditions:
Autosomal recessive limb-girdle muscular dystrophy type 2J (LGMDR10). Also called: Limb-girdle muscular dystrophy, type 2J; MUSCULAR DYSTROPHY, LIMB-GIRDLE, AUTOSOMAL RECESSIVE 10. Identifiers: Orphanet 140922, MedGen C1837342, MONDO:0012127, OMIM 608807.
Dilated cardiomyopathy 1G (CMD1G). Identifiers: Orphanet 154, MedGen C1858763, MONDO:0011400, OMIM 604145.

Submission:

Labcorp Genetics (formerly Invitae), Labcorp
Classification: Likely pathogenic for Dilated cardiomyopathy 1G; Autosomal recessive limb-girdle muscular dystrophy type 2J. Last evaluated: 2023-10-19. Review status: criteria provided, single submitter. Criteria: Invitae Variant Classification Sherloc (09022015). Collection method: clinical testing. Allele origin: germline.
Comment: This sequence change creates a premature translational stop signal (p.Ser23842*) in the TTN gene. While this is not anticipated to result in nonsense mediated decay, it is expected to create a truncated TTN protein. This variant is not present in population databases (gnomAD no frequency). This variant has not been reported in the literature in individuals affected with TTN-related conditions. This variant is located in the A band of TTN (PMID: 25589632). Truncating variants in this region are significantly overrepresented in patients affected with dilated cardiomyopathy (PMID: 25589632). Truncating variants in this region have also been reported in individuals affected with autosomal recessive centronuclear myopathy (PMID: 23975875). In summary, the currently available evidence indicates that the variant is pathogenic, but additional data are needed to prove that conclusively. Therefore, this variant has been classified as Likely Pathogenic.

Literature cited by the submitters: PubMed 25589632; PubMed 23975875.